The following is an entry in ClinVar:

ClinVar aggregate classification (germline): Uncertain significance. Review status: criteria provided, multiple submitters, no conflicts (2 of 4 stars). 2 submissions from 2 submitters: Uncertain significance (2). Last evaluated 2025-11-26.

Allele frequency attached by ClinVar (database versions not stated): gnomAD 0.00001; gnomAD exomes 0.00001 and 0.00006; TOPMed 0.00002; ExAC 0.00004; 1000 Genomes Project 30x 0.00016; 1000 Genomes Project 0.00020.
gnomAD v4.1: 14 of 1,608,988 alleles (0.00087%); highest among the groups gnomAD compares: East Asian, 0.025%; no homozygotes.

Submissions (2):

Labcorp Genetics (formerly Invitae), Labcorp
Classification: Uncertain significance. Last evaluated: 2025-11-26. Review status: criteria provided, single submitter. Criteria: Invitae Variant Classification Sherloc (09022015). Collection method: clinical testing. Allele origin: germline.
Comment: This sequence change replaces serine, which is neutral and polar, with glycine, which is neutral and non-polar, at codon 19 of the IL23R protein (p.Ser19Gly). This variant is present in population databases (rs185697788, gnomAD 0.08%), and has an allele count higher than expected for a pathogenic variant. This variant has not been reported in the literature in individuals affected with IL23R-related conditions. ClinVar contains an entry for this variant (Variation ID: 1404883). An algorithm developed to predict the effect of missense changes on protein structure and function (PolyPhen-2) suggests that this variant is likely to be tolerated. In summary, the available evidence is currently insufficient to determine the role of this variant in disease. Therefore, it has been classified as a Variant of Uncertain Significance.

Ambry Genetics
Classification: Uncertain significance. Last evaluated: 2023-05-24. Review status: criteria provided, single submitter. Criteria: Ambry Variant Classification Scheme 2023. Collection method: clinical testing. Allele origin: germline.

NM_144701.3(IL23R):c.55A>G (p.Ser19Gly)

Gene: IL23R (interleukin 23 receptor; plus strand). Cytogenetic location: 1p31.3.
Variant type: single nucleotide variant.
Coding change: c.55A>G on transcript NM_144701.3 (MANE Select); coding-DNA position 55, A replaced by G.
Protein change: p.Ser19Gly; replaces serine 19 with glycine.
Molecular consequence: missense variant.
Genome position (GRCh38, 1-based): chr1:67,168,175, A>G. VCF-style: chr1-67168175-A-G. GRCh37 (hg19) VCF-style: chr1-67633858-A-G.
Other names: c.55A>G (NM_144701.2); short protein forms S19G.
Identifiers: ClinVar variation 1404883 (VCV001404883.10), dbSNP rs185697788, ClinGen allele CA899621.